The following is an entry in ClinVar:

ClinVar aggregate classification (germline): Uncertain significance (1 of 4 stars; one submission).

Allele frequency attached by ClinVar (database versions not stated): ExAC 0.00003; ESP Exome Variant Server 0.00016.
gnomAD v4.1: 9 of 1,605,016 alleles (0.00056%); highest among the groups gnomAD compares: African/African-American, 0.0027%; no homozygotes.

Submission:

Labcorp Genetics (formerly Invitae), Labcorp
Classification: Uncertain significance. Last evaluated: 2022-04-25. Review status: criteria provided, single submitter. Criteria: Invitae Variant Classification Sherloc (09022015). Collection method: clinical testing. Allele origin: germline.
Comment: This sequence change replaces cysteine, which is neutral and slightly polar, with tyrosine, which is neutral and polar, at codon 702 of the C7 protein (p.Cys702Tyr). The frequency data for this variant in the population databases is considered unreliable, as metrics indicate poor data quality at this position in the gnomAD database. This variant has not been reported in the literature in individuals affected with C7-related conditions. Algorithms developed to predict the effect of missense changes on protein structure and function are either unavailable or do not agree on the potential impact of this missense change (SIFT: "Deleterious"; PolyPhen-2: "Probably Damaging"; Align-GVGD: "Class C0"). In summary, the available evidence is currently insufficient to determine the role of this variant in disease. Therefore, it has been classified as a Variant of Uncertain Significance.

NM_000587.4(C7):c.2105G>A (p.Cys702Tyr)

Gene: C7 (complement C7; plus strand). Cytogenetic location: 5p13.1.
Variant type: single nucleotide variant.
Coding change: c.2105G>A on transcript NM_000587.4 (MANE Select); coding-DNA position 2105, G replaced by A.
Protein change: p.Cys702Tyr; replaces cysteine 702 with tyrosine.
Molecular consequence: missense variant.
Genome position (GRCh38, 1-based): chr5:40,976,780, G>A. VCF-style: chr5-40976780-G-A. GRCh37 (hg19) VCF-style: chr5-40976882-G-A.
Other names: short protein forms C702Y.
Identifiers: ClinVar variation 1362463 (VCV001362463.5), dbSNP rs201976045, ClinGen allele CA3250201.